The following is an entry in ClinVar:

NM_000255.4(MMUT):c.385+5G>A

Gene: MMUT (methylmalonyl-CoA mutase; minus strand). Cytogenetic location: 6p12.3.
Variant type: single nucleotide variant.
Coding change: c.385+5G>A on transcript NM_000255.4 (MANE Select); 5 bases into the intron after coding-DNA position 385, G replaced by A.
Molecular consequence: intron variant.
Genome position (GRCh38, 1-based): chr6:49,459,077, C>T on the plus strand (G>A on the coding strand, the complement: MMUT is on the minus strand). VCF-style: chr6-49459077-C-T. GRCh37 (hg19) VCF-style: chr6-49426790-C-T.
Identifiers: ClinVar variation 558731 (VCV000558731.10), dbSNP rs1460509686, ClinGen allele CA566931435.

ClinVar aggregate classification (germline): Pathogenic. Review status: criteria provided, single submitter (1 of 4 stars). 2 submissions from 2 submitters: Pathogenic (1). 1 of the submissions does not count toward it. Last evaluated 2023-10-22.

Conditions:
Methylmalonic aciduria due to methylmalonyl-CoA mutase deficiency (MAMM). Also called: Methylmalonic aciduria, mut type. Identifiers: Orphanet 27, MedGen C1855114, MONDO:0009612, OMIM 251000.

Allele frequency attached by ClinVar (database versions not stated): gnomAD exomes below 0.00001 and 0.00001.

Submissions (2):

Labcorp Genetics (formerly Invitae), Labcorp
Classification: Pathogenic. Last evaluated: 2023-10-22. Review status: criteria provided, single submitter. Criteria: Invitae Variant Classification Sherloc (09022015). Collection method: clinical testing. Allele origin: germline.
Comment: This sequence change falls in intron 2 of the MUT gene. It does not directly change the encoded amino acid sequence of the MUT protein. It affects a nucleotide within the consensus splice site. This variant is present in population databases (no rsID available, gnomAD 0.006%). This variant has been observed in individuals with methylmalonic aciduria (PMID: 7602808, 16490061, 17075691). This variant is also known as IVS2+5G>A. ClinVar contains an entry for this variant (Variation ID: 558731). Variants that disrupt the consensus splice site are a relatively common cause of aberrant splicing (PMID: 17576681, 9536098). Algorithms developed to predict the effect of sequence changes on RNA splicing suggest that this variant may disrupt the consensus splice site. For these reasons, this variant has been classified as Pathogenic.

Counsyl
Classification: Likely pathogenic for Methylmalonic aciduria due to methylmalonyl-CoA mutase deficiency. Last evaluated: 2018-06-07. Review status: no assertion criteria provided. Collection method: clinical testing. Allele origin: unknown. Not counted in ClinVar's aggregate classification.

Literature cited by the submitters: PubMed 7602808 (cited by Labcorp Genetics (formerly Invitae), Labcorp and Counsyl); PubMed 16490061 (cited by Labcorp Genetics (formerly Invitae), Labcorp and Counsyl); PubMed 17075691 (cited by Labcorp Genetics (formerly Invitae), Labcorp and Counsyl); PubMed 17576681 (cited by Labcorp Genetics (formerly Invitae), Labcorp); PubMed 9536098 (cited by Labcorp Genetics (formerly Invitae), Labcorp).